The following is an entry in ClinVar:

ClinVar aggregate classification (germline): Uncertain significance (1 of 4 stars; one submission).

Allele frequency attached by ClinVar (database versions not stated): gnomAD exomes below 0.00001; TOPMed 0.00001.
gnomAD v4.1: 1 of 1,614,044 alleles (0.000062%); highest among the groups gnomAD compares: Admixed American, 0.0017%; no homozygotes.

Submission:

Labcorp Genetics (formerly Invitae), Labcorp
Classification: Uncertain significance. Last evaluated: 2024-02-23. Review status: criteria provided, single submitter. Criteria: Invitae Variant Classification Sherloc (09022015). Collection method: clinical testing. Allele origin: germline.
Comment: This sequence change replaces isoleucine, which is neutral and non-polar, with threonine, which is neutral and polar, at codon 1350 of the NBAS protein (p.Ile1350Thr). This variant is present in population databases (no rsID available, gnomAD 0.003%). This variant has not been reported in the literature in individuals affected with NBAS-related conditions. ClinVar contains an entry for this variant (Variation ID: 2113352). Advanced modeling of protein sequence and biophysical properties (such as structural, functional, and spatial information, amino acid conservation, physicochemical variation, residue mobility, and thermodynamic stability) performed at Invitae indicates that this missense variant is not expected to disrupt NBAS protein function with a negative predictive value of 95%. In summary, the available evidence is currently insufficient to determine the role of this variant in disease. Therefore, it has been classified as a Variant of Uncertain Significance.

NM_015909.4(NBAS):c.4049T>C (p.Ile1350Thr)

Gene: NBAS (NBAS subunit of NRZ tethering complex; minus strand). Cytogenetic location: 2p24.3.
Variant type: single nucleotide variant.
Coding change: c.4049T>C on transcript NM_015909.4 (MANE Select); coding-DNA position 4049, T replaced by C.
Protein change: p.Ile1350Thr; replaces isoleucine 1350 with threonine.
Molecular consequence: missense variant. On other transcripts: non-coding transcript variant (1).
Genome position (GRCh38, 1-based): chr2:15,353,593, A>G on the plus strand (T>C on the coding strand, the complement: NBAS is on the minus strand). VCF-style: chr2-15353593-A-G. GRCh37 (hg19) VCF-style: chr2-15493717-A-G.
Other names: short protein forms I1350T.
Identifiers: ClinVar variation 2113352 (VCV002113352.3), dbSNP rs1452506618, ClinGen allele CA345889622.
Genomic context (GRCh38, chr2:15,353,593, plus strand): 5'-TCCTTTATCGAAGGACTTACTTCTGTCTGCAGAGAGCTGCTAGCTGCCAAAAGAAGTTCA[A>G]TGCTGCTAGGAGGGCAATGTGTCAAAGCAAAAGCCATGAGCTCTTGACGAGTGGCCAAGT-3'
Protein context (NP_056993.2, residues 1340-1360): FALTHCPPSS[Ile1350Thr]ELLLAASSSL